The following is an entry in ClinVar:

ClinVar aggregate classification (germline): Conflicting classifications of pathogenicity. Review status: criteria provided, conflicting classifications (1 of 4 stars). 7 submissions from 7 submitters: Uncertain significance (3); Benign (1); Likely benign (2). 1 of the submissions does not count toward it. Last evaluated 2026-02-03.

Conditions:
LRIT3-related disorder. Also called: LRIT3-related condition.
Optic atrophy. Identifiers: MedGen C0029124, MONDO:0003608, HP:0000648.
Congenital stationary night blindness 1F. Also called: Night blindness, congenital stationary (complete), 1F, autosomal recessive. Identifiers: Orphanet 215, MedGen C3554399, MONDO:0014026, OMIM 615058.

Allele frequency attached by ClinVar (database versions not stated): 1000 Genomes Project 0.00080; gnomAD 0.00081 and 0.00086; 1000 Genomes Project 30x 0.00094; TOPMed 0.00100; ESP Exome Variant Server 0.00110; ExAC 0.00184.
gnomAD v4.1: 1,294 of 1,551,720 alleles (0.083%); highest among the groups gnomAD compares: Middle Eastern, 0.88%; 4 homozygotes.

Submissions (7):

Labcorp Genetics (formerly Invitae), Labcorp
Classification: Benign. Last evaluated: 2026-02-03. Review status: criteria provided, single submitter. Criteria: Invitae Variant Classification Sherloc (09022015). Collection method: clinical testing. Allele origin: germline.

CeGaT Center for Human Genetics Tuebingen
Classification: Likely benign. Last evaluated: 2025-12-01. Review status: criteria provided, single submitter. Criteria: CeGaT Center For Human Genetics Tuebingen Variant Classification Criteria Version 2. Collection method: clinical testing. Allele origin: germline. Affected: yes. Observed: 1 variant allele.
Comment: LRIT3: BP4

Blueprint Genetics
Classification: Likely benign. Last evaluated: 2024-11-21. Review status: criteria provided, single submitter. Criteria: ACMG Guidelines, 2015. Collection method: clinical testing. Allele origin: germline.

Institute of Human Genetics, Univ. Regensburg, Univ. Regensburg
Classification: Uncertain significance for Optic atrophy. Last evaluated: 2022-01-01. Review status: criteria provided, single submitter. Criteria: ACMG Guidelines, 2015. Collection method: clinical testing. Allele origin: germline. Affected: yes.

Illumina Laboratory Services, Illumina
Classification: Uncertain significance for Congenital stationary night blindness 1F. Last evaluated: 2018-01-13. Review status: criteria provided, single submitter. Criteria: ICSL Variant Classification Criteria 13 December 2019. Collection method: clinical testing. Allele origin: germline.

Eurofins Ntd Llc (ga)
Classification: Uncertain significance. Last evaluated: 2014-11-07. Review status: criteria provided, single submitter. Criteria: EGL Classification Definitions 2015. Collection method: clinical testing. Allele origin: germline. Observed: 1 variant allele, 1 heterozygote.

PreventionGenetics, part of Exact Sciences
Classification: Benign for LRIT3-related condition. Last evaluated: 2020-12-17. Review status: no assertion criteria provided. Collection method: clinical testing. Allele origin: germline. Not counted in ClinVar's aggregate classification.
Comment: This variant is classified as benign based on ACMG/AMP sequence variant interpretation guidelines (Richards et al. 2015 PMID: 25741868, with internal and published modifications).

Literature cited by the submitters: PubMed 32483926 (cited by Institute of Human Genetics, Univ. Regensburg, Univ. Regensburg).

NM_198506.5(LRIT3):c.379G>T (p.Asp127Tyr)

Gene: LRIT3 (leucine rich repeat, Ig-like and transmembrane domains 3; plus strand). Cytogenetic location: 4q25.
Variant type: single nucleotide variant.
Coding change: c.379G>T on transcript NM_198506.5 (MANE Select); coding-DNA position 379, G replaced by T.
Protein change: p.Asp127Tyr; replaces aspartic acid 127 with tyrosine.
Molecular consequence: missense variant.
Genome position (GRCh38, 1-based): chr4:109,851,766, G>T. VCF-style: chr4-109851766-G-T. GRCh37 (hg19) VCF-style: chr4-110772922-G-T.
Other names: short protein forms D127Y.
Identifiers: ClinVar variation 195436 (VCV000195436.26), dbSNP rs148810231, ClinGen allele CA241863.